The following is an entry in ClinVar:

NM_001042492.3(NF1):c.4110+1del

Gene: NF1 (neurofibromin 1; plus strand). Cytogenetic location: 17q11.2.
Variant type: Deletion.
Coding change: c.4110+1del on transcript NM_001042492.3 (MANE Select); the canonical splice donor site of the intron after coding-DNA position 4110, one base deleted (G; older notation c.4110+1delG).
Molecular consequence: splice donor variant.
Genome position (GRCh38, 1-based): chr17:31,249,120, G deleted; the last of 2 consecutive G bases (chr17:31,249,119-31,249,120); deleting either gives the same sequence. VCF-style (leftmost placement, unchanged base first): chr17-31249118-AG-A. GRCh37 (hg19) VCF-style: chr17-29576136-AG-A.
Other names: c.4110+1delG (NM_000267.3); c.4110+1del (NM_000267.4).
Identifiers: ClinVar variation 1067617 (VCV001067617.7), dbSNP rs2151451697, ClinGen allele CA2499224122.

ClinVar aggregate classification (germline): Pathogenic/Likely pathogenic. Review status: criteria provided, multiple submitters, no conflicts (2 of 4 stars). 3 submissions from 3 submitters: Pathogenic (1); Likely pathogenic (2). Last evaluated 2026-03-17.

Conditions:
Cardiovascular phenotype. Identifiers: MedGen CN230736.
Hereditary cancer-predisposing syndrome. Also called: Hereditary neoplastic syndrome; Neoplastic Syndromes, Hereditary; Tumor predisposition; Hereditary Cancer Syndrome. Identifiers: Orphanet 140162, MedGen C0027672, MeSH D009386, MONDO:0015356.
Neurofibromatosis, type 1 (NF1). Also called: NEUROFIBROMATOSIS, TYPE I, SOMATIC; Neurofibromatosis, type I; VON RECKLINGHAUSEN DISEASE; Peripheral type neurofibromatosis. Identifiers: Orphanet 636, MedGen C0027831, MONDO:0018975, OMIM 162200. Disease mechanism: loss of function.

Submissions (3):

Ambry Genetics
Classification: Likely pathogenic for Cardiovascular phenotype; Hereditary cancer-predisposing syndrome. Last evaluated: 2026-03-17. Review status: criteria provided, single submitter. Criteria: Ambry Variant Classification Scheme 2023. Collection method: clinical testing. Allele origin: germline.
Comment: The c.4110+1delG intronic variant, located in intron 30 of the NF1 gene, results from a deletion of one nucleotide within intron 30 of the NF1 gene. This variant was reported in individual(s) with features consistent with neurofibromatosis type 1 (Ambry internal data). This nucleotide position is highly conserved in available vertebrate species. In silico splice site analysis predicts that this alteration will weaken the native splice donor site and may result in the creation or strengthening of a novel splice donor site; however, direct evidence is insufficient at this time (Ambry internal data). This variant is considered to be rare based on population cohorts in the Genome Aggregation Database (gnomAD). Based on the majority of available evidence to date, this variant is likely to be pathogenic.

GeneDx
Classification: Pathogenic. Last evaluated: 2024-01-08. Review status: criteria provided, single submitter. Criteria: GeneDx Variant Classification Process June 2021. Collection method: clinical testing. Allele origin: germline. Affected: yes.
Comment: Canonical splice site variant predicted to result in a null allele in a gene for which loss of function is a known mechanism of disease; Not observed at significant frequency in large population cohorts (gnomAD); Has not been previously published as pathogenic or benign to our knowledge

Labcorp Genetics (formerly Invitae), Labcorp
Classification: Likely pathogenic for Neurofibromatosis, type 1. Last evaluated: 2017-12-31. Review status: criteria provided, single submitter. Criteria: Invitae Variant Classification Sherloc (09022015). Collection method: clinical testing. Allele origin: germline.
Comment: In summary, the currently available evidence indicates that the variant is pathogenic, but additional data are needed to prove that conclusively. Therefore, this variant has been classified as Likely Pathogenic. Donor and acceptor splice site variants typically lead to a loss of protein function (PMID: 16199547), and loss-of-function variants in NF1 are known to be pathogenic (PMID: 10712197, 23913538). This variant has not been reported in the literature in individuals with NF1-related disease. This variant is not present in population databases (ExAC no frequency). This sequence change affects a donor splice site in intron 30 of the NF1 gene. It is expected to disrupt RNA splicing and likely results in an absent or disrupted protein product.

Literature cited by the submitters: PubMed 16199547 (cited by Labcorp Genetics (formerly Invitae), Labcorp); PubMed 10712197 (cited by Labcorp Genetics (formerly Invitae), Labcorp); PubMed 23913538 (cited by Labcorp Genetics (formerly Invitae), Labcorp).